The following is an entry in ClinVar:

ClinVar aggregate classification (germline): Pathogenic. Review status: criteria provided, multiple submitters, no conflicts (2 of 4 stars). 4 submissions from 4 submitters: Pathogenic (4). Last evaluated 2024-03-14.

Conditions:
Microcephaly 5, primary, autosomal recessive (MCPH5). Also called: ASPM Primary Microcephaly. Identifiers: Orphanet 2512, MedGen C1837501, MONDO:0012106, OMIM 608716.

Allele frequency attached by ClinVar (database versions not stated): gnomAD exomes below 0.00001.
gnomAD v4.1: 3 of 1,611,338 alleles (0.00019%); highest among the groups gnomAD compares: African/African-American, 0.0013%; no homozygotes.

Submissions (4):

Genomic Medicine Center of Excellence, King Faisal Specialist Hospital and Research Centre
Classification: Pathogenic for Microcephaly 5, primary, autosomal recessive. Last evaluated: 2024-03-14. Review status: criteria provided, single submitter. Criteria: ACMG Guidelines, 2015. Collection method: research. Allele origin: germline.

Genome-Nilou Lab
Classification: Pathogenic for Microcephaly 5, primary, autosomal recessive. Last evaluated: 2023-04-11. Review status: criteria provided, single submitter. Criteria: ACMG Guidelines, 2015. Collection method: clinical testing. Allele origin: germline. Affected: no.

3billion
Classification: Pathogenic for Microcephaly 5, primary, autosomal recessive. Last evaluated: 2022-09-01. Review status: criteria provided, single submitter. Criteria: ACMG Guidelines, 2015. Collection method: clinical testing. Allele origin: germline. Affected: yes. Observed: 1 homozygote.
Comment: The variant is observed at an extremely low frequency in the gnomAD v2.1.1 dataset (total allele frequency: <0.001%). Stop-gained (nonsense) is predicted to result in a loss or disruption of normal protein function through nonsense-mediated decay (NMD) or protein truncation. Multiple pathogenic variants are reported downstream of the variant. The variant has been reported to be associated with ASPM-related disorder (ClinVar ID: VCV000157904 / PMID: 20978018). Therefore, this variant is classified as Pathogenic according to the recommendation of ACMG/AMP guideline.

Genetic Services Laboratory, University of Chicago
Classification: Pathogenic for Microcephaly 5, primary, autosomal recessive. Last evaluated: 2013-02-08. Review status: criteria provided, single submitter. Criteria: ACMG Guidelines, 2007. Collection method: clinical testing. Allele origin: germline. Inheritance: Autosomal recessive inheritance. Affected: yes.

Literature cited by the submitters: PubMed 20978018 (cited by 3billion).

NM_018136.5(ASPM):c.9091C>T (p.Arg3031Ter)

Gene: ASPM (assembly factor for spindle microtubules; minus strand). Cytogenetic location: 1q31.3.
Variant type: single nucleotide variant.
Coding change: c.9091C>T on transcript NM_018136.5 (MANE Select); coding-DNA position 9091, C replaced by T.
Protein change: p.Arg3031Ter; replaces arginine 3031 with a stop codon.
Molecular consequence: nonsense.
Genome position (GRCh38, 1-based): chr1:197,093,255, G>A on the plus strand (C>T on the coding strand, the complement: ASPM is on the minus strand). VCF-style: chr1-197093255-G-A. GRCh37 (hg19) VCF-style: chr1-197062385-G-A.
Other names: c.4336C>T, p.Arg1446Ter (NM_001206846.2); short protein forms R3031*, R1446*.
Identifiers: ClinVar variation 157904 (VCV000157904.10), dbSNP rs587783287, ClinGen allele CA271140.